The following is an entry in ClinVar:

ClinVar aggregate classification (germline): Likely benign (1 of 4 stars; one submission).

Allele frequency attached by ClinVar (database versions not stated): gnomAD exomes 0.00003; TOPMed 0.00003; ExAC 0.00004; gnomAD 0.00005.
gnomAD v4.1: 35 of 1,207,982 alleles (0.0029%); highest among the groups gnomAD compares: Middle Eastern, 0.023%; no homozygotes.

Submission:

CeGaT Center for Human Genetics Tuebingen
Classification: Likely benign. Last evaluated: 2023-03-01. Review status: criteria provided, single submitter. Criteria: CeGaT Center For Human Genetics Tuebingen Variant Classification Criteria Version 2. Collection method: clinical testing. Allele origin: germline. Affected: yes. Observed: 1 variant allele.
Comment: PLXNB3: BP4, BP7, BS2

NM_005393.3(PLXNB3):c.5547C>T (p.Ser1849=)

Gene: PLXNB3 (plexin B3; plus strand). Cytogenetic location: Xq28.
Variant type: single nucleotide variant.
Coding change: c.5547C>T on transcript NM_005393.3 (MANE Select); coding-DNA position 5547, C replaced by T.
Protein change: p.Ser1849=; no amino-acid change (serine 1849 retained).
Molecular consequence: synonymous variant.
Genome position (GRCh38, 1-based): chrX:153,778,468, C>T. VCF-style: chrX-153778468-C-T. GRCh37 (hg19) VCF-style: chrX-153043923-C-T.
Other names: c.5616C>T, p.Ser1872= (NM_001163257.2).
Identifiers: ClinVar variation 2661728 (VCV002661728.24), dbSNP rs781782814, ClinGen allele CA10551964.
Genomic context (GRCh38, chrX:153,778,468, plus strand): 5'-CATTCGCCAGAGCTCTCCGGCGAGCTACCAGGAGATGAACTCTGCTTTGGCTGAGCTCTC[C>T]GGGGTGAGGCATGGCCCGGGGGGTGCGCCTGTCCACACGTGGGTGGAAAGACTAGCAGAG-3'
Protein context (NP_005384.2, residues 1839-1859): QEMNSALAEL[Ser1849=]GNYTSAPHCL